The following is an entry in ClinVar:

NM_002361.4(MAG):c.668A>G (p.Asn223Ser)

Gene: MAG (myelin associated glycoprotein; plus strand). Cytogenetic location: 19q13.12.
Variant type: single nucleotide variant.
Coding change: c.668A>G on transcript NM_002361.4 (MANE Select); coding-DNA position 668, A replaced by G.
Protein change: p.Asn223Ser; replaces asparagine 223 with serine.
Molecular consequence: missense variant.
Genome position (GRCh38, 1-based): chr19:35,299,806, A>G. VCF-style: chr19-35299806-A-G. GRCh37 (hg19) VCF-style: chr19-35790709-A-G.
Other names: c.593A>G, p.Asn198Ser (NM_001199216.2); c.668A>G, p.Asn223Ser (NM_080600.3); short protein forms N223S, N198S.
Identifiers: ClinVar variation 475609 (VCV000475609.8), dbSNP rs1471804208, ClinGen allele CA405309611.
Genomic context (GRCh38, chr19:35,299,806, plus strand): 5'-ACTTCGTGCCCACGAGGGAGGCCAACGGCCACAGGCTGGGCTGCCAGGCCTCCTTCCCCA[A>G]CACCACCCTGCAGTTCGAGGGCTACGCCAGCATGGACGTCAAGTGTGAGCCTGGGTGCGG-3'
Protein context (NP_002352.1, residues 213-233): HRLGCQASFP[Asn223Ser]TTLQFEGYAS

ClinVar aggregate classification (germline): Uncertain significance (1 of 4 stars; one submission).

Conditions:
Hereditary spastic paraplegia 75. Also called: Spastic paraplegia 75, autosomal recessive. Identifiers: Orphanet 459056, MedGen C4225250, MONDO:0014729, OMIM 616680.

Allele frequency attached by ClinVar (database versions not stated): gnomAD 0.00001; TOPMed below 0.00001.

Submission:

Labcorp Genetics (formerly Invitae), Labcorp
Classification: Uncertain significance for Hereditary spastic paraplegia 75. Last evaluated: 2022-07-12. Review status: criteria provided, single submitter. Criteria: Invitae Variant Classification Sherloc (09022015). Collection method: clinical testing. Allele origin: germline.
Comment: This sequence change replaces asparagine, which is neutral and polar, with serine, which is neutral and polar, at codon 223 of the MAG protein (p.Asn223Ser). This variant is not present in population databases (gnomAD no frequency). This variant has not been reported in the literature in individuals affected with MAG-related conditions. ClinVar contains an entry for this variant (Variation ID: 475609). Algorithms developed to predict the effect of missense changes on protein structure and function (SIFT, PolyPhen-2, Align-GVGD) all suggest that this variant is likely to be tolerated. Algorithms developed to predict the effect of sequence changes on RNA splicing suggest that this variant may create or strengthen a splice site. In summary, the available evidence is currently insufficient to determine the role of this variant in disease. Therefore, it has been classified as a Variant of Uncertain Significance.